The following is an entry in ClinVar:

ClinVar aggregate classification (germline): Uncertain significance. Review status: criteria provided, multiple submitters, no conflicts (2 of 4 stars). 4 submissions from 4 submitters: Uncertain significance (4). Last evaluated 2025-12-22.

Conditions:
Ataxia-telangiectasia syndrome (AT). Also called: Ataxia telangiectasia (A-T); Ataxia-telangiectasia, complementation group E; LOUIS-BAR SYNDROME; Cerebello-oculocutaneous telangiectasia; Immunodeficiency with ataxia telangiectasia; Ataxia-telangiectasia, complementation group D. Identifiers: Orphanet 100, MedGen C0004135, MONDO:0008840, OMIM 208900.
Hereditary cancer-predisposing syndrome. Also called: Hereditary Cancer Syndrome; Neoplastic Syndromes, Hereditary; Tumor predisposition; Hereditary neoplastic syndrome. Identifiers: Orphanet 140162, MedGen C0027672, MeSH D009386, MONDO:0015356.
Familial cancer of breast. Also called: Hereditary breast cancer; hereditary breast carcinoma; BREAST CANCER, FAMILIAL. Identifiers: Orphanet 227535, MedGen C0346153, MONDO:0016419, OMIM 114480. Disease mechanism: loss of function.

Submissions (4):

Labcorp Genetics (formerly Invitae), Labcorp
Classification: Uncertain significance for Ataxia-telangiectasia syndrome. Last evaluated: 2025-12-22. Review status: criteria provided, single submitter. Criteria: Invitae Variant Classification Sherloc (09022015). Collection method: clinical testing. Allele origin: germline.
Comment: This sequence change replaces valine, which is neutral and non-polar, with methionine, which is neutral and non-polar, at codon 1913 of the ATM protein (p.Val1913Met). This variant is not present in population databases (gnomAD no frequency). This variant has not been reported in the literature in individuals affected with ATM-related conditions. ClinVar contains an entry for this variant (Variation ID: 232003). Invitae Evidence Modeling of protein sequence and biophysical properties (such as structural, functional, and spatial information, amino acid conservation, physicochemical variation, residue mobility, and thermodynamic stability) indicates that this missense variant is not expected to disrupt ATM protein function with a negative predictive value of 95%. In summary, the available evidence is currently insufficient to determine the role of this variant in disease. Therefore, it has been classified as a Variant of Uncertain Significance.

Baylor Genetics
Classification: Uncertain significance for Familial cancer of breast. Last evaluated: 2023-12-19. Review status: criteria provided, single submitter. Criteria: ACMG Guidelines, 2015. Collection method: clinical testing. Allele origin: unknown.

Sema4
Classification: Uncertain significance for Hereditary cancer-predisposing syndrome. Last evaluated: 2021-09-11. Review status: criteria provided, single submitter. Criteria: Sema4 Curation Guidelines. Collection method: curation. Allele origin: germline.
Comment: The ATM c.5737G>A (p.V1913M) variant has not been reported in the literature to our knowledge. It was not observed in the large and broad cohorts of the Genome Aggregation Database (PMID: 32461654). The variant has been reported in ClinVar (Variation ID 232003). Functional studies have not been performed, and in silico predictions of the variant's effect on protein function are inconclusive. The evidence is insufficient to meet ACMG/AMP criteria for classifying the variant as benign or pathogenic. Thus, the clinical significance of this variant is currently uncertain.

Ambry Genetics
Classification: Uncertain significance for Hereditary cancer-predisposing syndrome. Last evaluated: 2015-05-21. Review status: criteria provided, single submitter. Criteria: Ambry Variant Classification Scheme 2023. Collection method: clinical testing. Allele origin: germline.
Comment: The p.V1913M variant (also known as c.5737G>A), located in coding exon 37 of the ATM gene, results from a G to A substitution at nucleotide position 5737. The valine at codon 1913 is replaced by methionine, an amino acid with highly similar properties. This variant was not reported in population based cohorts in the following databases: Database of Single Nucleotide Polymorphisms (dbSNP), NHLBI Exome Sequencing Project (ESP), and 1000 Genomes Project. In the ESP, this variant was not observed in 6499 samples (12998 alleles) with coverage at this position. To date, this alteration has been detected with an allele frequency of approximately 0.002% (greater than 66000 alleles tested) in our clinical cohort. Based on protein sequence alignment, this amino acid position is highly conserved in available vertebrate species. In addition, the in silico prediction for this alteration is inconclusive. Since supporting evidence is limited at this time, the clinical significance of p.V1913M remains unclear.

NM_000051.4(ATM):c.5737G>A (p.Val1913Met)

Gene: ATM (ATM serine/threonine kinase; plus strand). Cytogenetic location: 11q22.3.
Variant type: single nucleotide variant.
Coding change: c.5737G>A on transcript NM_000051.4 (MANE Select); coding-DNA position 5737, G replaced by A.
Protein change: p.Val1913Met; replaces valine 1913 with methionine.
Molecular consequence: missense variant.
Genome position (GRCh38, 1-based): chr11:108,307,959, G>A. VCF-style: chr11-108307959-G-A. GRCh37 (hg19) VCF-style: chr11-108178686-G-A.
Other names: c.5737G>A, p.Val1913Met (NM_001351834.2); short protein forms V1913M.
Identifiers: ClinVar variation 232003 (VCV000232003.8), dbSNP rs876659487, ClinGen allele CA10579193.